The following is an entry in ClinVar:

NM_014855.3(AP5Z1):c.283C>T (p.Pro95Ser)

Gene: AP5Z1 (adaptor related protein complex 5 subunit zeta 1; plus strand). Cytogenetic location: 7p22.1.
Variant type: single nucleotide variant.
Coding change: c.283C>T on transcript NM_014855.3 (MANE Select); coding-DNA position 283, C replaced by T.
Protein change: p.Pro95Ser; replaces proline 95 with serine.
Molecular consequence: missense variant. On other transcripts: non-coding transcript variant (1), intron variant (1).
Genome position (GRCh38, 1-based): chr7:4,781,671, C>T. VCF-style: chr7-4781671-C-T. GRCh37 (hg19) VCF-style: chr7-4821302-C-T.
Other names: p.Pro95Ser; c.-103+359C>T (NM_001364858.1); short protein forms P95S.
Identifiers: ClinVar variation 1986576 (VCV001986576.18), dbSNP rs201836482, ClinGen allele CA4137133.

ClinVar aggregate classification (germline): Uncertain significance. Review status: criteria provided, multiple submitters, no conflicts (2 of 4 stars). 4 submissions from 4 submitters: Uncertain significance (4). Last evaluated 2025-11-25.

Conditions:
Hereditary spastic paraplegia 48. Also called: SPASTIC PARAPLEGIA 48, AUTOSOMAL RECESSIVE; Spastic paraplegia 48. Identifiers: Orphanet 306511, MedGen C3150901, MONDO:0013342, OMIM 613647.
Inborn genetic diseases. Identifiers: MedGen C0950123, MeSH D030342.

Allele frequency attached by ClinVar (database versions not stated): TOPMed 0.00005; ESP Exome Variant Server 0.00008; gnomAD 0.00009; 1000 Genomes Project 0.00020; 1000 Genomes Project 30x 0.00031.
gnomAD v4.1: 156 of 1,602,600 alleles (0.0097%); highest among the groups gnomAD compares: Non-Finnish European, 0.013%; no homozygotes.

Submissions (4):

Ambry Genetics
Classification: Uncertain significance for Inborn genetic diseases. Last evaluated: 2025-11-25. Review status: criteria provided, single submitter. Criteria: Ambry Variant Classification Scheme 2023. Collection method: clinical testing. Allele origin: germline.

Mayo Clinic Laboratories, Mayo Clinic
Classification: Uncertain significance. Last evaluated: 2025-04-30. Review status: criteria provided, single submitter. Criteria: ACMG Guidelines, 2015. Collection method: clinical testing. Allele origin: germline. Observed: 1 variant allele.

CeGaT Center for Human Genetics Tuebingen
Classification: Uncertain significance. Last evaluated: 2024-08-01. Review status: criteria provided, single submitter. Criteria: CeGaT Center For Human Genetics Tuebingen Variant Classification Criteria Version 2. Collection method: clinical testing. Allele origin: germline. Affected: yes. Observed: 1 variant allele.
Comment: AP5Z1: PM2, BP4

Labcorp Genetics (formerly Invitae), Labcorp
Classification: Uncertain significance for Hereditary spastic paraplegia 48. Last evaluated: 2022-07-19. Review status: criteria provided, single submitter. Criteria: Invitae Variant Classification Sherloc (09022015). Collection method: clinical testing. Allele origin: germline.
Comment: This sequence change replaces proline, which is neutral and non-polar, with serine, which is neutral and polar, at codon 95 of the AP5Z1 protein (p.Pro95Ser). This variant is present in population databases (rs201836482, gnomAD 0.01%). This variant has not been reported in the literature in individuals affected with AP5Z1-related conditions. Algorithms developed to predict the effect of missense changes on protein structure and function are either unavailable or do not agree on the potential impact of this missense change (SIFT: "Deleterious"; PolyPhen-2: "Probably Damaging"; Align-GVGD: "Class C0"). In summary, the available evidence is currently insufficient to determine the role of this variant in disease. Therefore, it has been classified as a Variant of Uncertain Significance.